The following is an entry in ClinVar:

ClinVar aggregate classification (germline): Uncertain significance (1 of 4 stars; one submission).

Conditions:
LAMA2-related muscular dystrophy (LAMA2-RD). Also called: Laminin alpha 2-related dystrophy. Identifiers: MedGen C5679788, MONDO:0100228.

Allele frequency attached by ClinVar (database versions not stated): TOPMed below 0.00001.
gnomAD v4.1: 1 of 1,613,256 alleles (0.000062%); highest among the groups gnomAD compares: Non-Finnish European, 0.000085%; no homozygotes.

Submission:

Labcorp Genetics (formerly Invitae), Labcorp
Classification: Uncertain significance for LAMA2-related muscular dystrophy. Last evaluated: 2022-06-04. Review status: criteria provided, single submitter. Criteria: Invitae Variant Classification Sherloc (09022015). Collection method: clinical testing. Allele origin: germline.
Comment: ClinVar contains an entry for this variant (Variation ID: 1488778). In summary, the available evidence is currently insufficient to determine the role of this variant in disease. Therefore, it has been classified as a Variant of Uncertain Significance. Advanced modeling of protein sequence and biophysical properties (such as structural, functional, and spatial information, amino acid conservation, physicochemical variation, residue mobility, and thermodynamic stability) performed at Invitae indicates that this missense variant is not expected to disrupt LAMA2 protein function. This variant has not been reported in the literature in individuals affected with LAMA2-related conditions. This variant is not present in population databases (gnomAD no frequency). This sequence change replaces glutamine, which is neutral and polar, with histidine, which is basic and polar, at codon 2580 of the LAMA2 protein (p.Gln2580His).

NM_000426.4(LAMA2):c.7740G>C (p.Gln2580His)

Gene: LAMA2 (laminin subunit alpha 2; plus strand). Cytogenetic location: 6q22.33.
Variant type: single nucleotide variant.
Coding change: c.7740G>C on transcript NM_000426.4 (MANE Select); coding-DNA position 7740, G replaced by C.
Protein change: p.Gln2580His; replaces glutamine 2580 with histidine.
Molecular consequence: missense variant.
Genome position (GRCh38, 1-based): chr6:129,481,430, G>C. VCF-style: chr6-129481430-G-C. GRCh37 (hg19) VCF-style: chr6-129802575-G-C.
Other names: c.7728G>C, p.Gln2576His (NM_001079823.2); short protein forms Q2580H, Q2576H.
Identifiers: ClinVar variation 1488778 (VCV001488778.6), dbSNP rs1275101391, ClinGen allele CA365628431.